The following is an entry in ClinVar:

NM_001354604.2(MITF):c.823C>G (p.Leu275Val)

Gene: MITF (melanocyte inducing transcription factor; plus strand). Cytogenetic location: 3p13.
Variant type: single nucleotide variant.
Coding change: c.823C>G on transcript NM_001354604.2 (MANE Select); coding-DNA position 823, C replaced by G.
Protein change: p.Leu275Val; replaces leucine 275 with valine.
Molecular consequence: missense variant.
Genome position (GRCh38, 1-based): chr3:69,949,111, C>G. VCF-style: chr3-69949111-C-G. GRCh37 (hg19) VCF-style: chr3-69998262-C-G.
Other names: c.502C>G, p.Leu168Val (NM_000248.4, NM_198158.3); c.667C>G, p.Leu223Val (NM_001184967.2, NM_001354608.2); c.820C>G, p.Leu274Val (NM_001354605.2, NM_001354606.2, NM_006722.3); c.772C>G, p.Leu258Val (NM_001354607.2); c.823C>G, p.Leu275Val (NM_198159.3); c.775C>G, p.Leu259Val (NM_198177.3); c.334C>G, p.Leu112Val (NM_198178.3); short protein forms L112V, L168V, L223V, L258V, L259V, L274V, L275V.
Identifiers: ClinVar variation 3363508 (VCV003363508.3).

ClinVar aggregate classification (germline): Uncertain significance. Review status: criteria provided, multiple submitters, no conflicts (2 of 4 stars). 3 submissions from 3 submitters: Uncertain significance (3). Last evaluated 2025-12-07.

Conditions:
Tietz syndrome (TADS). Also called: ALBINISM-DEAFNESS OF TIETZ; TIETZ ALBINISM-DEAFNESS SYNDROME; HYPOPIGMENTATION/DEAFNESS OF TIETZ. Identifiers: Orphanet 42665, MedGen C0391816, MONDO:0007077, OMIM 103500.
Waardenburg syndrome type 2A (WS2A). Also called: WAARDENBURG SYNDROME WITHOUT DYSTOPIA CANTHORUM. Identifiers: Orphanet 3440, MedGen C1860339, MONDO:0008671, OMIM 193510.
Melanoma, cutaneous malignant, susceptibility to, 8. Also called: MELANOMA AND RENAL CELL CARCINOMA, SUSCEPTIBILITY TO; Cutaneous malignant melanoma 8. Identifiers: Orphanet 293822, MedGen C3152204, MONDO:0013759, OMIM 614456.
Hereditary cancer-predisposing syndrome. Also called: Tumor predisposition; Neoplastic Syndromes, Hereditary; Hereditary neoplastic syndrome; Hereditary Cancer Syndrome. Identifiers: Orphanet 140162, MedGen C0027672, MeSH D009386, MONDO:0015356.

gnomAD v4.1: 1 of 1,613,770 alleles (0.000062%); highest among the groups gnomAD compares: Non-Finnish European, 0.000085%; no homozygotes.

Submissions (3):

Ambry Genetics
Classification: Uncertain significance for Hereditary cancer-predisposing syndrome. Last evaluated: 2025-12-07. Review status: criteria provided, single submitter. Criteria: Ambry Variant Classification Scheme 2023. Collection method: clinical testing. Allele origin: germline.
Comment: The p.L168V variant (also known as c.502C>G), located in coding exon 5 of the MITF gene, results from a C to G substitution at nucleotide position 502. The leucine at codon 168 is replaced by valine, an amino acid with highly similar properties. This amino acid position is conserved. In addition, this alteration is predicted to be tolerated by in silico analysis. Based on the available evidence, the clinical significance of this variant remains unclear.

Labcorp Genetics (formerly Invitae), Labcorp
Classification: Uncertain significance for Melanoma, cutaneous malignant, susceptibility to, 8; Waardenburg syndrome type 2A; Tietz syndrome. Last evaluated: 2025-04-22. Review status: criteria provided, single submitter. Criteria: Invitae Variant Classification Sherloc (09022015). Collection method: clinical testing. Allele origin: germline.
Comment: This sequence change replaces leucine, which is neutral and non-polar, with valine, which is neutral and non-polar, at codon 168 of the MITF protein (p.Leu168Val). This variant is not present in population databases (gnomAD no frequency). This variant has not been reported in the literature in individuals affected with MITF-related conditions. ClinVar contains an entry for this variant (Variation ID: 3363508). Invitae Evidence Modeling of protein sequence and biophysical properties (such as structural, functional, and spatial information, amino acid conservation, physicochemical variation, residue mobility, and thermodynamic stability) indicates that this missense variant is not expected to disrupt MITF protein function with a negative predictive value of 80%. In summary, the available evidence is currently insufficient to determine the role of this variant in disease. Therefore, it has been classified as a Variant of Uncertain Significance.

GeneDx
Classification: Uncertain significance. Last evaluated: 2023-10-24. Review status: criteria provided, single submitter. Criteria: GeneDx Variant Classification Process June 2021. Collection method: clinical testing. Allele origin: germline. Affected: yes.
Comment: Not observed at significant frequency in large population cohorts (gnomAD); In silico analysis supports that this missense variant does not alter protein structure/function; Has not been previously published as pathogenic or benign to our knowledge